The following is an entry in ClinVar:

ClinVar aggregate classification (germline): Uncertain significance (1 of 4 stars; one submission).

Conditions:
Hereditary cancer-predisposing syndrome. Also called: Neoplastic Syndromes, Hereditary; Tumor predisposition; Hereditary Cancer Syndrome; Hereditary neoplastic syndrome. Identifiers: Orphanet 140162, MedGen C0027672, MeSH D009386, MONDO:0015356.

Submission:

Ambry Genetics
Classification: Uncertain significance for Hereditary cancer-predisposing syndrome. Last evaluated: 2014-10-22. Review status: criteria provided, single submitter. Criteria: Ambry Variant Classification Scheme 2023. Collection method: clinical testing. Allele origin: germline.
Comment: The p.T494N variant (also known as c.1481C>A), located in coding exon 4 of the PALB2 gene, results from a C to A substitution at nucleotide position 1481. The threonine at codon 494 is replaced by asparagine, an amino acid with similar properties. This variant was not reported in population based cohorts in the following databases: Database of Single Nucleotide Polymorphisms (dbSNP), NHLBI Exome Sequencing Project (ESP), and 1000 Genomes Project. In the ESP, this variant was not observed in 6497 samples (12994 alleles) with coverage at this position. To date, this alteration has been detected with an allele frequency of approximately 0.004% (greater than 23000 alleles tested) in our clinical cohort. This amino acid position is poorly conserved in available vertebrate species. In addition, this alteration is predicted to be possibly damaging and tolerated by PolyPhen and SIFT in silico analyses, respectively. Since supporting evidence is limited at this time, the clinical significance of p.T494N remains unclear.

NM_024675.4(PALB2):c.1481C>A (p.Thr494Asn)

Gene: PALB2 (partner and localizer of BRCA2; minus strand). Cytogenetic location: 16p12.2.
Variant type: single nucleotide variant.
Coding change: c.1481C>A on transcript NM_024675.4 (MANE Select); coding-DNA position 1481, C replaced by A.
Protein change: p.Thr494Asn; replaces threonine 494 with asparagine.
Molecular consequence: missense variant.
Genome position (GRCh38, 1-based): chr16:23,635,065, G>T on the plus strand (C>A on the coding strand, the complement: PALB2 is on the minus strand). VCF-style: chr16-23635065-G-T. GRCh37 (hg19) VCF-style: chr16-23646386-G-T.
Other names: short protein forms T494N.
Identifiers: ClinVar variation 186703 (VCV000186703.5), dbSNP rs587782368, ClinGen allele CA195609.